The following is an entry in ClinVar:

NM_181426.2(CCDC39):c.2470C>T (p.Gln824Ter)

Genes: TTC14 (tetratricopeptide repeat domain 14; plus strand), CCDC39 (coiled-coil domain 39 molecular ruler complex subunit; minus strand). Cytogenetic location: 3q26.33.
Variant type: single nucleotide variant.
Coding change: c.2470C>T on transcript NM_181426.2 (MANE Select); coding-DNA position 2470, C replaced by T.
Protein change: p.Gln824Ter; replaces glutamine 824 with a stop codon.
Molecular consequence: nonsense. On other transcripts: intron variant (1).
Genome position (GRCh38, 1-based): chr3:180,616,632, G>A on the plus strand (C>T on the coding strand, the complement: CCDC39 is on the minus strand). VCF-style: chr3-180616632-G-A. GRCh37 (hg19) VCF-style: chr3-180334420-G-A.
Other names: c.1775-748G>A (NM_001288582.2); short protein forms Q824*.
Identifiers: ClinVar variation 1920614 (VCV001920614.4), dbSNP rs1423596492, ClinGen allele CA355305336.

ClinVar aggregate classification (germline): Pathogenic (1 of 4 stars; one submission).

Conditions:
Primary ciliary dyskinesia. Also called: Ciliary dyskinesia. Identifiers: Orphanet 244, MedGen C0008780, MONDO:0016575, HP:0012265.

Allele frequency attached by ClinVar (database versions not stated): gnomAD exomes below 0.00001; TOPMed below 0.00001.
gnomAD v4.1: 1 of 1,595,818 alleles (0.000063%); highest among the groups gnomAD compares: Admixed American, 0.0017%; no homozygotes.

Submission:

Labcorp Genetics (formerly Invitae), Labcorp
Classification: Pathogenic for Primary ciliary dyskinesia. Last evaluated: 2022-09-13. Review status: criteria provided, single submitter. Criteria: Invitae Variant Classification Sherloc (09022015). Collection method: clinical testing. Allele origin: germline.
Comment: For these reasons, this variant has been classified as Pathogenic. This sequence change creates a premature translational stop signal (p.Gln824*) in the CCDC39 gene. It is expected to result in an absent or disrupted protein product. Loss-of-function variants in CCDC39 are known to be pathogenic (PMID: 21131972, 23255504). This variant is present in population databases (no rsID available, gnomAD 0.007%). This variant has not been reported in the literature in individuals affected with CCDC39-related conditions.

Literature cited by the submitters: PubMed 21131972; PubMed 23255504.